The following is an entry in ClinVar:

ClinVar aggregate classification (germline): Uncertain significance (1 of 4 stars; one submission).

gnomAD v4.1: 2 of 1,611,226 alleles (0.00012%); highest among the groups gnomAD compares: Non-Finnish European, 0.00017%; no homozygotes.

Submission:

CeGaT Center for Human Genetics Tuebingen
Classification: Uncertain significance. Last evaluated: 2025-02-01. Review status: criteria provided, single submitter. Criteria: CeGaT Center For Human Genetics Tuebingen Variant Classification Criteria Version 2. Collection method: clinical testing. Allele origin: germline. Affected: yes. Observed: 1 variant allele.
Comment: PI4KA: PM2, PP3

NM_058004.4(PI4KA):c.2574+1G>A

Gene: PI4KA (phosphatidylinositol 4-kinase alpha; minus strand). Cytogenetic location: 22q11.21.
Variant type: single nucleotide variant.
Coding change: c.2574+1G>A on transcript NM_058004.4 (MANE Select); the canonical splice donor site of the intron after coding-DNA position 2574, G replaced by A.
Molecular consequence: splice donor variant.
Genome position (GRCh38, 1-based): chr22:20,765,099, C>T on the plus strand (G>A on the coding strand, the complement: PI4KA is on the minus strand). VCF-style: chr22-20765099-C-T. GRCh37 (hg19) VCF-style: chr22-21119387-C-T.
Other names: c.2508+1G>A (NM_001362863.2); c.2574+1G>A (NM_001362862.2).
Identifiers: ClinVar variation 3771232 (VCV003771232.13).